The following is an entry in ClinVar:

ClinVar aggregate classification (germline): Uncertain significance (1 of 4 stars; one submission).

Allele frequency attached by ClinVar (database versions not stated): ExAC 0.00001; gnomAD 0.00001; TOPMed 0.00002.
gnomAD v4.1: 1 of 1,607,018 alleles (0.000062%); highest among the groups gnomAD compares: Non-Finnish European, 0.000085%; no homozygotes.

Submission:

Women's Health and Genetics/Laboratory Corporation of America, LabCorp
Classification: Uncertain significance. Last evaluated: 2023-12-01. Review status: criteria provided, single submitter. Criteria: LabCorp Variant Classification Summary - May 2015. Collection method: clinical testing. Allele origin: germline.
Comment: Variant summary: GNAS c.-37919C>T is located in the untranscribed region upstream of the primary transcript of the GNAS gene (NM_000516.7). In an alternate transcript (NM_080425.3), the variant is predicted to result in a synonymous variant, c.543C>T (p.Val181=), consensus agreement among computation tools predict no significant impact on normal splicing in this transcript. However, these predictions have yet to be confirmed by functional studies. The variant allele was found at a frequency of 4.3e-06 in 233056 control chromosomes (gnomAD). The available data on variant occurrences in the general population are insufficient to allow any conclusion about variant significance. To our knowledge, no occurrence of c.-37919C>T in individuals affected with GNAS-Related Disorders and no experimental evidence demonstrating its impact on protein function have been reported. No submitters have cited clinical-significance assessments for this variant to ClinVar after 2014. Based on the evidence outlined above, the variant was classified as uncertain significance.

NM_080425.4(GNAS):c.543C>T (p.Val181=)

Gene: GNAS (GNAS complex locus; plus strand). Cytogenetic location: 20q13.32.
Variant type: single nucleotide variant.
Coding change: c.543C>T on transcript NM_080425.4 (MANE Plus Clinical); coding-DNA position 543, C replaced by T.
Protein change: p.Val181=; no amino-acid change (valine 181 retained).
Molecular consequence: synonymous variant. On other transcripts: missense variant (2), intron variant (3), genic upstream transcript variant (1).
Genome position (GRCh38, 1-based): chr20:58,853,808, C>T. VCF-style: chr20-58853808-C-T. GRCh37 (hg19) VCF-style: chr20-57428863-C-T.
Other names: c.356C>T, p.Ser119Phe (NM_001077490.3, NM_001309883.1); c.543C>T, p.Val181= (NM_001410913.1); c.*42+12922C>T (NM_016592.5); c.43+12922C>T (NM_001410912.1); c.-39+11933C>T (NM_001309861.2); c.-37919C>T (NM_000516.7); short protein forms S119F.
Identifiers: ClinVar variation 2691469 (VCV002691469.1), dbSNP rs752434296, ClinGen allele CA9926490.
Genomic context (GRCh38, chr20:58,853,808, plus strand): 5'-TATGCCCTTTGAGTTTGACCAGCCTGCCCAGAGAGGCTGCAGTCAACTTCTCTTACAGGT[C>T]CCAGACCTTGCTCCAGGAGGCCCAGGTGCTGCAGGGGTCCCCGGAGCTCCTCCCGAGGAG-3'
Protein context (NP_536350.2, residues 171-191): QRGCSQLLLQ[Val181=]PDLAPGGPGA